The following is an entry in ClinVar:

ClinVar aggregate classification (germline): Uncertain significance (1 of 4 stars; one submission).

Conditions:
Inborn genetic diseases. Identifiers: MedGen C0950123, MeSH D030342.

gnomAD v4.1: 1 of 1,613,818 alleles (0.000062%); highest among the groups gnomAD compares: Non-Finnish European, 0.000085%; no homozygotes.

Submission:

Ambry Genetics
Classification: Uncertain significance for Inborn genetic diseases. Last evaluated: 2025-11-22. Review status: criteria provided, single submitter. Criteria: Ambry Variant Classification Scheme 2023. Collection method: clinical testing. Allele origin: germline.
Comment: The p.A726V variant (also known as c.2177C>T), located in coding exon 1 of the SAMD9L gene, results from a C to T substitution at nucleotide position 2177. The alanine at codon 726 is replaced by valine, an amino acid with similar properties. This amino acid position is conserved. In addition, this alteration is predicted to be tolerated by in silico analysis. Based on the available evidence, the clinical significance of this variant remains unclear.

NM_152703.5(SAMD9L):c.2177C>T (p.Ala726Val)

Gene: SAMD9L (sterile alpha motif domain containing 9 like; minus strand). Cytogenetic location: 7q21.2.
Variant type: single nucleotide variant.
Coding change: c.2177C>T on transcript NM_152703.5 (MANE Select); coding-DNA position 2177, C replaced by T.
Protein change: p.Ala726Val; replaces alanine 726 with valine.
Molecular consequence: missense variant.
Genome position (GRCh38, 1-based): chr7:93,133,795, G>A on the plus strand (C>T on the coding strand, the complement: SAMD9L is on the minus strand). VCF-style: chr7-93133795-G-A. GRCh37 (hg19) VCF-style: chr7-92763108-G-A.
Other names: c.2177C>T, p.Ala726Val (NM_001303496.3, NM_001303497.3, NM_001303498.3 and 5 more transcripts); short protein forms A726V.
Identifiers: ClinVar variation 4630133 (VCV004630133.1).